The following is an entry in ClinVar:

ClinVar aggregate classification (germline): Uncertain significance (1 of 4 stars; one submission).

gnomAD v4.1: 1 of 1,613,852 alleles (0.000062%); highest among the groups gnomAD compares: Non-Finnish European, 0.000085%; no homozygotes.

Submission:

CeGaT Center for Human Genetics Tuebingen
Classification: Uncertain significance. Last evaluated: 2024-07-01. Review status: criteria provided, single submitter. Criteria: CeGaT Center For Human Genetics Tuebingen Variant Classification Criteria Version 2. Collection method: clinical testing. Allele origin: germline. Affected: yes. Observed: 1 variant allele.
Comment: NUP188: PM2

NM_015354.3(NUP188):c.1541C>T (p.Pro514Leu)

Gene: NUP188 (nucleoporin 188; plus strand). Cytogenetic location: 9q34.11.
Variant type: single nucleotide variant.
Coding change: c.1541C>T on transcript NM_015354.3 (MANE Select); coding-DNA position 1541, C replaced by T.
Protein change: p.Pro514Leu; replaces proline 514 with leucine.
Molecular consequence: missense variant.
Genome position (GRCh38, 1-based): chr9:128,982,573, C>T. VCF-style: chr9-128982573-C-T. GRCh37 (hg19) VCF-style: chr9-131744852-C-T.
Other names: short protein forms P514L.
Identifiers: ClinVar variation 3257464 (VCV003257464.17).